The following is an entry in ClinVar:

ClinVar aggregate classification (germline): Uncertain significance. Review status: criteria provided, multiple submitters, no conflicts (2 of 4 stars). 3 submissions from 3 submitters: Uncertain significance (3). Last evaluated 2026-01-17.

Conditions:
Familial thoracic aortic aneurysm and aortic dissection (TAAD). Also called: Thoracic aortic aneurysms and dissections. Identifiers: Orphanet 91387, MedGen C4707243, MONDO:0019625.
Ehlers-Danlos syndrome, type 4 (EDSVASC). Also called: Ehlers-Danlos syndrome vascular type; Ehlers Danlos syndrome, ecchymotic type; Ehlers Danlos syndrome, arterial type; Ehlers Danlos syndrome, Sack-Barabas type; Ehlers-Danlos Syndrome Type IV. Identifiers: Orphanet 286, MedGen C0268338, MONDO:0017314, OMIM 130050.

Allele frequency attached by ClinVar (database versions not stated): gnomAD exomes below 0.00001; TOPMed below 0.00001.
gnomAD v4.1: 2 of 1,595,894 alleles (0.00013%); highest among the groups gnomAD compares: Non-Finnish European, 0.00017%; no homozygotes.

Submissions (3):

Labcorp Genetics (formerly Invitae), Labcorp
Classification: Uncertain significance for Ehlers-Danlos syndrome, type 4. Last evaluated: 2026-01-17. Review status: criteria provided, single submitter. Criteria: Invitae Variant Classification Sherloc (09022015). Collection method: clinical testing. Allele origin: germline.
Comment: This sequence change replaces glutamic acid, which is acidic and polar, with valine, which is neutral and non-polar, at codon 745 of the COL3A1 protein (p.Glu745Val). This variant is not present in population databases (gnomAD no frequency). This variant has not been reported in the literature in individuals affected with COL3A1-related conditions. ClinVar contains an entry for this variant (Variation ID: 2074879). Invitae Evidence Modeling of protein sequence and biophysical properties (such as structural, functional, and spatial information, amino acid conservation, physicochemical variation, residue mobility, and thermodynamic stability) indicates that this missense variant is not expected to disrupt COL3A1 protein function with a negative predictive value of 95%. In summary, the available evidence is currently insufficient to determine the role of this variant in disease. Therefore, it has been classified as a Variant of Uncertain Significance.

GeneDx
Classification: Uncertain significance. Last evaluated: 2024-10-21. Review status: criteria provided, single submitter. Criteria: GeneDx Variant Classification Process June 2021. Collection method: clinical testing. Allele origin: germline. Affected: yes.
Comment: Has not been previously published as pathogenic or benign to our knowledge; Not observed at significant frequency in large population cohorts (gnomAD); In silico analysis supports that this missense variant has a deleterious effect on protein structure/function; Occurs in the triple helical domain at the X position in the canonical Gly-X-Y repeat; although this variant may have an effect on normal protein folding and function, missense substitution at the X position is not a common mechanism of disease (HGMD)

Ambry Genetics
Classification: Uncertain significance for Familial thoracic aortic aneurysm and aortic dissection. Last evaluated: 2023-05-16. Review status: criteria provided, single submitter. Criteria: Ambry Variant Classification Scheme 2023. Collection method: clinical testing. Allele origin: germline.
Comment: The p.E745V variant (also known as c.2234A>T), located in coding exon 32 of the COL3A1 gene, results from an A to T substitution at nucleotide position 2234. The glutamic acid at codon 745 is replaced by valine, an amino acid with dissimilar properties. This amino acid position is not well conserved in available vertebrate species. In addition, the in silico prediction for this alteration is inconclusive. Since supporting evidence is limited at this time, the clinical significance of this alteration remains unclear.

NM_000090.4(COL3A1):c.2234A>T (p.Glu745Val)

Gene: COL3A1 (collagen type III alpha 1 chain; plus strand). Cytogenetic location: 2q32.2.
Variant type: single nucleotide variant.
Coding change: c.2234A>T on transcript NM_000090.4 (MANE Select); coding-DNA position 2234, A replaced by T.
Protein change: p.Glu745Val; replaces glutamic acid 745 with valine.
Molecular consequence: missense variant.
Genome position (GRCh38, 1-based): chr2:188,999,846, A>T. VCF-style: chr2-188999846-A-T. GRCh37 (hg19) VCF-style: chr2-189864572-A-T.
Other names: short protein forms E745V.
Identifiers: ClinVar variation 2074879 (VCV002074879.5), dbSNP rs1688417359, ClinGen allele CA349841115.